The following is an entry in ClinVar:

NM_001128840.3(CACNA1D):c.5748A>G (p.Ala1916=)

Gene: CACNA1D (calcium voltage-gated channel subunit alpha1 D; plus strand). Cytogenetic location: 3p21.1.
Variant type: single nucleotide variant.
Coding change: c.5748A>G on transcript NM_001128840.3 (MANE Select); coding-DNA position 5748, A replaced by G.
Protein change: p.Ala1916=; no amino-acid change (alanine 1916 retained).
Molecular consequence: synonymous variant.
Genome position (GRCh38, 1-based): chr3:53,805,145, A>G. VCF-style: chr3-53805145-A-G. GRCh37 (hg19) VCF-style: chr3-53839172-A-G.
Other names: c.5808A>G, p.Ala1936= (NM_000720.4); c.5676A>G, p.Ala1892= (NM_001128839.3).
Identifiers: ClinVar variation 2100903 (VCV002100903.4), dbSNP rs200442870, ClinGen allele CA74862486.
Genomic context (GRCh38, chr3:53,805,145, plus strand): 5'-GCCCGTTTGCTATGATTCACGGAGATCTCCAAGGAGACGCCTACTACCTCCCACCCCAGC[A>G]TGTGAGGCCAGATTTTTTGTTTTGGGTGGAACCTCCCGGGGAACAGTGTACCTCTCCCCC-3'
Protein context (NP_001122312.1, residues 1906-1926): PRRRLLPPTP[Ala1916=]SHRRSSFNFE

ClinVar aggregate classification (germline): Uncertain significance (1 of 4 stars; one submission).

Allele frequency attached by ClinVar (database versions not stated): TOPMed below 0.00001.

Submission:

Labcorp Genetics (formerly Invitae), Labcorp
Classification: Uncertain significance. Last evaluated: 2025-01-19. Review status: criteria provided, single submitter. Criteria: Invitae Variant Classification Sherloc (09022015). Collection method: clinical testing. Allele origin: germline.
Comment: This sequence change affects codon 1936 of the CACNA1D mRNA. It is a 'silent' change, meaning that it does not change the encoded amino acid sequence of the CACNA1D protein. It affects a nucleotide within the consensus splice site. This variant is not present in population databases (gnomAD no frequency). This variant has not been reported in the literature in individuals affected with CACNA1D-related conditions. ClinVar contains an entry for this variant (Variation ID: 2100903). Algorithms developed to predict the effect of sequence changes on RNA splicing suggest that this variant may disrupt the consensus splice site. In summary, the available evidence is currently insufficient to determine the role of this variant in disease. Therefore, it has been classified as a Variant of Uncertain Significance.